The following is an entry in ClinVar:

ClinVar aggregate classification (germline): Benign/Likely benign. Review status: criteria provided, multiple submitters, no conflicts (2 of 4 stars). 11 submissions from 9 submitters: Benign (10); Likely benign (1). Last evaluated 2026-01-27.

Conditions:
Liddle syndrome 1 (LIDLS1). Also called: PSEUDOALDOSTERONISM. Identifiers: Orphanet 526, MedGen CN031472, MONDO:0020607, OMIM 177200.
Bronchiectasis with or without elevated sweat chloride 1 (BESC1). Also called: Cystic Fibrosis-Like Syndrome. Identifiers: Orphanet 60033, MedGen C2749757, MONDO:0008887, OMIM 211400.
Pseudohypoaldosteronism, type IB1, autosomal recessive. Also called: Pseudohypoaldosteronism, Type I, Autosomal Recessive; Pseudohypoaldosteronism, Type I, Recessive; PHA I, AUTOSOMAL RECESSIVE; Autosomal recessive pseudohypoaldosteronism type 1. Identifiers: Orphanet 171876, Orphanet 756, MedGen C5774176, MONDO:0009917, OMIM 264350.

Allele frequency attached by ClinVar (database versions not stated): 1000 Genomes Project 0.08486; 1000 Genomes Project 30x 0.09229; TOPMed 0.09786; gnomAD 0.09834 and 0.10382; ESP Exome Variant Server 0.10474.
gnomAD v4.1: 88,015 of 1,610,998 alleles (5.5%); highest among the groups gnomAD compares: African/African-American, 22%; 3,889 homozygotes.

Submissions (11):

Labcorp Genetics (formerly Invitae), Labcorp
Classification: Benign. Last evaluated: 2026-01-27. Review status: criteria provided, single submitter. Criteria: Invitae Variant Classification Sherloc (09022015). Collection method: clinical testing. Allele origin: germline.

Blueprint Genetics
Classification: Likely benign. Last evaluated: 2024-11-27. Review status: criteria provided, single submitter. Criteria: ACMG Guidelines, 2015. Collection method: clinical testing. Allele origin: germline.

Mayo Clinic Laboratories, Mayo Clinic
Classification: Benign. Last evaluated: 2022-03-09. Review status: criteria provided, single submitter. Criteria: ACMG Guidelines, 2015. Collection method: clinical testing. Allele origin: germline. Observed: 22 variant alleles.

GeneDx
Classification: Benign. Last evaluated: 2020-01-26. Review status: criteria provided, single submitter. Criteria: GeneDx Variant Classification Process June 2021. Collection method: clinical testing. Allele origin: germline. Affected: yes.

Illumina Laboratory Services, Illumina
Classification: Benign for Bronchiectasis with or without elevated sweat chloride 1. Last evaluated: 2018-01-13. Review status: criteria provided, single submitter. Criteria: ICSL Variant Classification Criteria 13 December 2019. Collection method: clinical testing. Allele origin: germline.
Comment: This variant was observed in the ICSL laboratory as part of a predisposition screen in an ostensibly healthy population. It had not been previously curated by ICSL or reported in the Human Gene Mutation Database (HGMD: prior to June 1st, 2018), and was therefore a candidate for classification through an automated scoring system. Utilizing variant allele frequency, disease prevalence and penetrance estimates, and inheritance mode, an automated score was calculated to assess if this variant is too frequent to cause the disease. Based on the score and internal cut-off values, a variant classified as benign is not then subjected to further curation. The score for this variant resulted in a classification of benign for this disease.

Illumina Laboratory Services, Illumina
Classification: Benign for Pseudohypoaldosteronism, type IB1, autosomal recessive. Last evaluated: 2018-01-13. Review status: criteria provided, single submitter. Criteria: ICSL Variant Classification Criteria 13 December 2019. Collection method: clinical testing. Allele origin: germline.
Comment: the same text as in the submission from Illumina Laboratory Services, Illumina above.

Illumina Laboratory Services, Illumina
Classification: Benign for Liddle syndrome 1. Last evaluated: 2018-01-13. Review status: criteria provided, single submitter. Criteria: ICSL Variant Classification Criteria 13 December 2019. Collection method: clinical testing. Allele origin: germline.
Comment: the same text as in the submission from Illumina Laboratory Services, Illumina above.

Athena Diagnostics
Classification: Benign. Last evaluated: 2017-09-12. Review status: criteria provided, single submitter. Criteria: Athena Diagnostics Criteria. Collection method: clinical testing. Allele origin: germline.

Laboratory for Molecular Medicine, Mass General Brigham Personalized Medicine
Classification: Benign. Last evaluated: 2013-10-18. Review status: criteria provided, single submitter. Criteria: LMM Criteria. Collection method: clinical testing. Allele origin: germline. Observed: 13 variant alleles.
Comment: Phe293Phe in exon 05 of SCNN1B: This variant is not expected to have clinical s ignificance because it does not alter an amino acid residue and is not predicted to alter splicing (0/5 programs). It has been identified in 20% (915/4394) of A frican American chromosomes from a broad population by the NHLBI Exome Sequencin g Project (dbSNP rs250563).

Breakthrough Genomics
Classification: Benign. Review status: criteria provided, single submitter. Criteria: ACMG Guidelines, 2015. Collection method: not provided. Allele origin: germline. Inheritance: Autosomal dominant inheritance. Affected: yes.

PreventionGenetics, part of Exact Sciences
Classification: Benign. Review status: criteria provided, single submitter. Criteria: ACMG Guidelines, 2015. Collection method: clinical testing. Allele origin: germline.

NM_000336.3(SCNN1B):c.879C>T (p.Phe293=)

Gene: SCNN1B (sodium channel epithelial 1 subunit beta; plus strand). Cytogenetic location: 16p12.2.
Variant type: single nucleotide variant.
Coding change: c.879C>T on transcript NM_000336.3 (MANE Select); coding-DNA position 879, C replaced by T.
Protein change: p.Phe293=; no amino-acid change (phenylalanine 293 retained).
Molecular consequence: synonymous variant.
Genome position (GRCh38, 1-based): chr16:23,367,958, C>T. VCF-style: chr16-23367958-C-T. GRCh37 (hg19) VCF-style: chr16-23379279-C-T.
Other names: p.Phe293=.
Identifiers: ClinVar variation 178802 (VCV000178802.21), dbSNP rs250563, ClinGen allele CA183064.